The following is an entry in ClinVar:

ClinVar aggregate classification (germline): Uncertain significance. Review status: criteria provided, single submitter (1 of 4 stars). 2 submissions from 2 submitters: Uncertain significance (1). 1 of the submissions does not count toward it. Last evaluated 2023-09-11.

Conditions:
Nephrotic syndrome, type 2 (NPHS2). Also called: NEPHROTIC SYNDROME, STEROID-RESISTANT, AUTOSOMAL RECESSIVE. Identifiers: Orphanet 656, MedGen C1868672, MONDO:0010974, OMIM 600995.

Submissions (2):

Women's Health and Genetics/Laboratory Corporation of America, LabCorp
Classification: Uncertain significance. Last evaluated: 2023-09-11. Review status: criteria provided, single submitter. Criteria: LabCorp Variant Classification Summary - May 2015. Collection method: clinical testing. Allele origin: germline.
Comment: Variant summary: NPHS2 c.372C>G (p.Cys124Trp) results in a non-conservative amino acid change located in the Band 7 domain (IPR001107) of the encoded protein sequence. Five of five in-silico tools predict a damaging effect of the variant on protein function. The variant was absent in 251394 control chromosomes (gnomAD). c.372C>G has been reported in the literature in an individual affected with Nephrotic Syndrome (example: Lovric_2014). To our knowledge, no experimental evidence demonstrating an impact on protein function has been reported. A different variant affecting the same codon (c.370T>C, p.Cys124Arg) has been classified Pathogenic in ClinVar (CV ID 1939980). The following publications have been ascertained in the context of this evaluation (PMID: 17899208, 24742477). One submitter has cited clinical-significance assessments for this variant to ClinVar after 2014 and has classified the variant as uncertain significance. Based on the evidence outlined above, the variant was classified as VUS-possibly pathogenic.

Counsyl
Classification: Uncertain significance for Nephrotic syndrome, type 2. Last evaluated: 2018-04-11. Review status: no assertion criteria provided. Collection method: clinical testing. Allele origin: unknown. Not counted in ClinVar's aggregate classification.

Literature cited by the submitters: PubMed 17899208 (cited by Women's Health and Genetics/Laboratory Corporation of America, LabCorp and Counsyl); PubMed 24742477 (cited by Women's Health and Genetics/Laboratory Corporation of America, LabCorp and Counsyl).

NM_014625.4(NPHS2):c.372C>G (p.Cys124Trp)

Gene: NPHS2 (NPHS2 stomatin family member, podocin; minus strand). Cytogenetic location: 1q25.2.
Variant type: single nucleotide variant.
Coding change: c.372C>G on transcript NM_014625.4 (MANE Select); coding-DNA position 372, C replaced by G.
Protein change: p.Cys124Trp; replaces cysteine 124 with tryptophan.
Molecular consequence: missense variant.
Genome position (GRCh38, 1-based): chr1:179,564,696, G>C on the plus strand (C>G on the coding strand, the complement: NPHS2 is on the minus strand). VCF-style: chr1-179564696-G-C. GRCh37 (hg19) VCF-style: chr1-179533831-G-C.
Other names: c.372C>G (NM_014625.3); c.372C>G, p.Cys124Trp (NM_001297575.2); short protein forms C124W.
Identifiers: ClinVar variation 557695 (VCV000557695.3), dbSNP rs139290621, ClinGen allele CA343570771.